The following is an entry in ClinVar:

ClinVar aggregate classification (germline): Benign/Likely benign. Review status: criteria provided, multiple submitters, no conflicts (2 of 4 stars). 10 submissions from 9 submitters: Benign (4); Likely benign (4). 2 of the submissions do not count toward it. Last evaluated 2026-09-01.

Conditions:
GM1 gangliosidosis. Identifiers: Orphanet 354, MedGen C0085131, MONDO:0018149.
Mucopolysaccharidosis, MPS-IV-B (MPS4B). Also called: Mucopolysaccharidosis type IV B; Mucopolysaccharidosis type IVB (Morquio); MPS IVB; Mucopolysaccharidosis Type IVB (Morquio B Disease); Mucopolysaccharidosis type 4B; MORQUIO SYNDROME B. Identifiers: Orphanet 309310, Orphanet 582, MedGen C0086652, MONDO:0009660, OMIM 253010.

Allele frequency attached by ClinVar (database versions not stated): 1000 Genomes Project 30x 0.00906; 1000 Genomes Project 0.00919; TOPMed 0.01371; ESP Exome Variant Server 0.01529; gnomAD 0.01570 and 0.01618; gnomAD exomes 0.01762; ExAC 0.01835.
gnomAD v4.1: 30,257 of 1,614,114 alleles (1.9%); highest among the groups gnomAD compares: Non-Finnish European, 2.1%; 356 homozygotes.

Submissions (10):

CeGaT Center for Human Genetics Tuebingen
Classification: Benign. Last evaluated: 2026-09-01. Review status: criteria provided, single submitter. Criteria: CeGaT Center For Human Genetics Tuebingen Variant Classification Criteria Version 2. Collection method: clinical testing. Allele origin: germline. Affected: yes. Observed: 30 variant alleles.
Comment: GLB1: BS1, BS2

Labcorp Genetics (formerly Invitae), Labcorp
Classification: Benign for Mucopolysaccharidosis, MPS-IV-B; GM1 gangliosidosis. Last evaluated: 2026-02-04. Review status: criteria provided, single submitter. Criteria: Invitae Variant Classification Sherloc (09022015). Collection method: clinical testing. Allele origin: germline.

Blueprint Genetics
Classification: Likely benign. Last evaluated: 2024-11-26. Review status: criteria provided, single submitter. Criteria: ACMG Guidelines, 2015. Collection method: clinical testing. Allele origin: germline.

GeneDx
Classification: Benign. Last evaluated: 2020-12-21. Review status: criteria provided, single submitter. Criteria: GeneDx Variant Classification Process June 2021. Collection method: clinical testing. Allele origin: germline. Affected: yes.
Comment: This variant is associated with the following publications: (PMID: 21497194)

Illumina Laboratory Services, Illumina
Classification: Likely benign for Mucopolysaccharidosis, MPS-IV-B. Last evaluated: 2017-04-27. Review status: criteria provided, single submitter. Criteria: ICSL Variant Classification Criteria 13 December 2019. Collection method: clinical testing. Allele origin: germline.
Comment: This variant was observed as part of a predisposition screen in an ostensibly healthy population. A literature search was performed for the gene, cDNA change, and amino acid change (where applicable). No publications were found based on this search. Allele frequency data from public databases allowed determination this variant is unlikely to cause disease. Therefore, this variant is classified as likely benign.

Illumina Laboratory Services, Illumina
Classification: Likely benign for GM1 gangliosidosis. Last evaluated: 2017-04-27. Review status: criteria provided, single submitter. Criteria: ICSL Variant Classification Criteria 13 December 2019. Collection method: clinical testing. Allele origin: germline.
Comment: the same text as in the submission from Illumina Laboratory Services, Illumina above.

Eurofins Ntd Llc (ga)
Classification: Benign. Last evaluated: 2015-05-22. Review status: criteria provided, single submitter. Criteria: EGL Classification Definitions 2015. Collection method: clinical testing. Allele origin: germline. Observed: 4 variant alleles, 4 heterozygotes.

Breakthrough Genomics
Classification: Likely benign. Review status: criteria provided, single submitter. Criteria: ACMG Guidelines, 2015. Collection method: not provided. Allele origin: germline. Inheritance: Autosomal recessive inheritance. Affected: yes.

Mayo Clinic Laboratories, Mayo Clinic
Classification: Benign. Last evaluated: 2017-05-23. Review status: no assertion criteria provided. Collection method: clinical testing. Allele origin: unknown. Not counted in ClinVar's aggregate classification.

Genetic Services Laboratory, University of Chicago
Classification: Likely benign for AllHighlyPenetrant. Review status: no assertion criteria provided. Collection method: clinical testing. Allele origin: germline. Inheritance: Autosomal recessive inheritance. Not counted in ClinVar's aggregate classification.
Comment: Likely benign based on allele frequency in 1000 Genomes Project or ESP global frequency and its presence in a patient with a rare or unrelated disease phenotype. NOT Sanger confirmed.

NM_000404.4(GLB1):c.325C>T (p.Arg109Trp)

Gene: GLB1 (galactosidase beta 1; minus strand). Cytogenetic location: 3p22.3.
Variant type: single nucleotide variant.
Coding change: c.325C>T on transcript NM_000404.4 (MANE Select); coding-DNA position 325, C replaced by T.
Protein change: p.Arg109Trp; replaces arginine 109 with tryptophan.
Molecular consequence: missense variant. On other transcripts: intron variant (1).
Genome position (GRCh38, 1-based): chr3:33,068,891, G>A on the plus strand (C>T on the coding strand, the complement: GLB1 is on the minus strand). VCF-style: chr3-33068891-G-A. GRCh37 (hg19) VCF-style: chr3-33110383-G-A.
Other names: c.235C>T, p.Arg79Trp (NM_001079811.3); c.469C>T, p.Arg157Trp (NM_001317040.2); c.325C>T, p.Arg109Trp (NM_001393580.1); c.246-3334C>T (NM_001135602.3); short protein forms R109W, R79W, R157W.
Identifiers: ClinVar variation 129154 (VCV000129154.52), dbSNP rs35289681, ClinGen allele CA152977.
Genomic context (GRCh38, chr3:33,068,891, plus strand): 5'-CTGCACAGATGTAGGGCCCGGGCCTCAGGATAACCAGCAGTCCCAGCTCATGAGCCAGCC[G>A]AAGAAAATATTCCACATCATGGTCCTCAGAAAACTGGTACTGTCCTGGCCAGGGCTCATG-3'
Protein context (NP_000395.3, residues 99-119): SEDHDVEYFL[Arg109Trp]LAHELGLLVI